The following is an entry in ClinVar:

ClinVar aggregate classification (germline): Uncertain significance (1 of 4 stars; one submission).

Conditions:
Familial cold autoinflammatory syndrome 2 (FCAS2). Identifiers: Orphanet 247868, MedGen C2673198, MONDO:0012724, OMIM 611762.

Submission:

Labcorp Genetics (formerly Invitae), Labcorp
Classification: Uncertain significance for Familial cold autoinflammatory syndrome 2. Last evaluated: 2022-11-15. Review status: criteria provided, single submitter. Criteria: Invitae Variant Classification Sherloc (09022015). Collection method: clinical testing. Allele origin: germline.
Comment: Advanced modeling of protein sequence and biophysical properties (such as structural, functional, and spatial information, amino acid conservation, physicochemical variation, residue mobility, and thermodynamic stability) performed at Invitae indicates that this missense variant is not expected to disrupt NLRP12 protein function. ClinVar contains an entry for this variant (Variation ID: 857088). This variant has not been reported in the literature in individuals affected with NLRP12-related conditions. This variant is not present in population databases (gnomAD no frequency). This sequence change replaces isoleucine, which is neutral and non-polar, with methionine, which is neutral and non-polar, at codon 626 of the NLRP12 protein (p.Ile626Met). In summary, the available evidence is currently insufficient to determine the role of this variant in disease. Therefore, it has been classified as a Variant of Uncertain Significance.

NM_144687.4(NLRP12):c.1878C>G (p.Ile626Met)

Gene: NLRP12 (NLR family pyrin domain containing 12; minus strand). Cytogenetic location: 19q13.42.
Variant type: single nucleotide variant.
Coding change: c.1878C>G on transcript NM_144687.4 (MANE Select); coding-DNA position 1878, C replaced by G.
Protein change: p.Ile626Met; replaces isoleucine 626 with methionine.
Molecular consequence: missense variant.
Genome position (GRCh38, 1-based): chr19:53,809,781, G>C on the plus strand (C>G on the coding strand, the complement: NLRP12 is on the minus strand). VCF-style: chr19-53809781-G-C. GRCh37 (hg19) VCF-style: chr19-54313035-G-C.
Other names: c.1878C>G, p.Ile626Met (NM_001277126.2, NM_001277129.1); short protein forms I626M.
Identifiers: ClinVar variation 857088 (VCV000857088.9), dbSNP rs2092030072, ClinGen allele CA407412201.